The following is an entry in ClinVar:

ClinVar aggregate classification (germline): Uncertain significance (1 of 4 stars; one submission).

gnomAD v4.1: 6 of 1,614,158 alleles (0.00037%); highest among the groups gnomAD compares: Non-Finnish European, 0.00051%; no homozygotes.

Submission:

Labcorp Genetics (formerly Invitae), Labcorp
Classification: Uncertain significance. Last evaluated: 2025-01-18. Review status: criteria provided, single submitter. Criteria: Invitae Variant Classification Sherloc (09022015). Collection method: clinical testing. Allele origin: germline.
Comment: This sequence change replaces serine, which is neutral and polar, with threonine, which is neutral and polar, at codon 1217 of the COL4A4 protein (p.Ser1217Thr). This variant is not present in population databases (gnomAD no frequency). This variant has not been reported in the literature in individuals affected with COL4A4-related conditions. Invitae Evidence Modeling of protein sequence and biophysical properties (such as structural, functional, and spatial information, amino acid conservation, physicochemical variation, residue mobility, and thermodynamic stability) indicates that this missense variant is not expected to disrupt COL4A4 protein function with a negative predictive value of 95%. In summary, the available evidence is currently insufficient to determine the role of this variant in disease. Therefore, it has been classified as a Variant of Uncertain Significance.

NM_000092.5(COL4A4):c.3650G>C (p.Ser1217Thr)

Gene: COL4A4 (collagen type IV alpha 4 chain; minus strand). Cytogenetic location: 2q36.3.
Variant type: single nucleotide variant.
Coding change: c.3650G>C on transcript NM_000092.5 (MANE Select); coding-DNA position 3650, G replaced by C.
Protein change: p.Ser1217Thr; replaces serine 1217 with threonine.
Molecular consequence: missense variant.
Genome position (GRCh38, 1-based): chr2:227,032,204, C>G on the plus strand (G>C on the coding strand, the complement: COL4A4 is on the minus strand). VCF-style: chr2-227032204-C-G. GRCh37 (hg19) VCF-style: chr2-227896920-C-G.
Other names: short protein forms S1217T.
Identifiers: ClinVar variation 3614403 (VCV003614403.2).
Genomic context (GRCh38, chr2:227,032,204, plus strand): 5'-TTACCTGGGGGTCCTGGGGGACCTTTCTTTCCACGAGGACCTGGAGGAGAGATTCCTGGG[C>G]TCCCAGGGTCTCCTCTCTCCCCTTTTAGCCCAGGTATTCCCACTGGACCAGGTGGCCCCA-3'
Protein context (NP_000083.3, residues 1207-1227): GLKGERGDPG[Ser1217Thr]PGISPPGPRG